The following is an entry in ClinVar:

ClinVar aggregate classification (germline): Uncertain significance. Review status: criteria provided, multiple submitters, no conflicts (2 of 4 stars). 2 submissions from 2 submitters: Uncertain significance (2). Last evaluated 2026-03-30.

Conditions:
Inborn genetic diseases. Identifiers: MedGen C0950123, MeSH D030342.

gnomAD v4.1: 1 of 1,612,610 alleles (0.000062%); highest among the groups gnomAD compares: Non-Finnish European, 0.000085%; no homozygotes.

Submissions (2):

Ambry Genetics
Classification: Uncertain significance for Inborn genetic diseases. Last evaluated: 2026-03-30. Review status: criteria provided, single submitter. Criteria: Ambry Variant Classification Scheme 2023. Collection method: clinical testing. Allele origin: germline.
Comment: The p.A558G variant (also known as c.1673C>G), located in coding exon 15 of the KDM1A gene, results from a C to G substitution at nucleotide position 1673. The alanine at codon 558 is replaced by glycine, an amino acid with similar properties. This amino acid position is conserved. In addition, this alteration is predicted to be deleterious by in silico analysis. Based on the available evidence, the clinical significance of this variant remains unclear.

GeneDx
Classification: Uncertain significance. Last evaluated: 2023-12-20. Review status: criteria provided, single submitter. Criteria: GeneDx Variant Classification Process June 2021. Collection method: clinical testing. Allele origin: germline. Affected: yes.
Comment: Not observed at significant frequency in large population cohorts (gnomAD); In silico analysis supports that this missense variant has a deleterious effect on protein structure/function; Has not been previously published as pathogenic or benign to our knowledge

NM_001009999.3(KDM1A):c.1673C>G (p.Ala558Gly)

Gene: KDM1A (lysine demethylase 1A; plus strand). Cytogenetic location: 1p36.12.
Variant type: single nucleotide variant.
Coding change: c.1673C>G on transcript NM_001009999.3 (MANE Select); coding-DNA position 1673, C replaced by G.
Protein change: p.Ala558Gly; replaces alanine 558 with glycine.
Molecular consequence: missense variant.
Genome position (GRCh38, 1-based): chr1:23,073,342, C>G. VCF-style: chr1-23073342-C-G. GRCh37 (hg19) VCF-style: chr1-23399835-C-G.
Other names: c.1619C>G, p.Ala540Gly (NM_001363654.2); c.1679C>G, p.Ala560Gly (NM_001410762.1); c.1601C>G, p.Ala534Gly (NM_001410763.1, NM_015013.4); short protein forms A534G, A540G, A558G, A560G.
Identifiers: ClinVar variation 3370157 (VCV003370157.2).